The following is an entry in ClinVar:

ClinVar aggregate classification (germline): Conflicting classifications of pathogenicity. Review status: criteria provided, conflicting classifications (1 of 4 stars). 3 submissions from 3 submitters: Uncertain significance (2); Likely benign (1). Last evaluated 2024-05-25.

Conditions:
Inborn genetic diseases. Identifiers: MedGen C0950123, MeSH D030342.

Allele frequency attached by ClinVar (database versions not stated): ExAC 0.00005; gnomAD exomes 0.00005; TOPMed 0.00006; gnomAD 0.00007; 1000 Genomes Project 30x 0.00016; 1000 Genomes Project 0.00020.
gnomAD v4.1: 116 of 1,607,400 alleles (0.0072%); highest among the groups gnomAD compares: African/African-American, 0.012%; 1 homozygote.

Submissions (3):

Labcorp Genetics (formerly Invitae), Labcorp
Classification: Uncertain significance. Last evaluated: 2024-05-25. Review status: criteria provided, single submitter. Criteria: Invitae Variant Classification Sherloc (09022015). Collection method: clinical testing. Allele origin: germline.
Comment: This sequence change replaces proline, which is neutral and non-polar, with leucine, which is neutral and non-polar, at codon 229 of the ASXL1 protein (p.Pro229Leu). This variant is present in population databases (rs576523117, gnomAD 0.02%). This variant has not been reported in the literature in individuals affected with ASXL1-related conditions. ClinVar contains an entry for this variant (Variation ID: 287611). An algorithm developed to predict the effect of missense changes on protein structure and function (PolyPhen-2) suggests that this variant is likely to be disruptive. In summary, the available evidence is currently insufficient to determine the role of this variant in disease. Therefore, it has been classified as a Variant of Uncertain Significance.

Ambry Genetics
Classification: Likely benign for Inborn genetic diseases. Last evaluated: 2021-05-19. Review status: criteria provided, single submitter. Criteria: Ambry Variant Classification Scheme 2023. Collection method: clinical testing. Allele origin: germline.

Eurofins Ntd Llc (ga)
Classification: Uncertain significance. Last evaluated: 2016-04-13. Review status: criteria provided, single submitter. Criteria: EGL Classification Definitions 2015. Collection method: clinical testing. Allele origin: germline. Observed: 1 variant allele, 1 heterozygote.

NM_015338.6(ASXL1):c.686C>T (p.Pro229Leu)

Gene: ASXL1 (ASXL transcriptional regulator 1; plus strand). Cytogenetic location: 20q11.21.
Variant type: single nucleotide variant.
Coding change: c.686C>T on transcript NM_015338.6 (MANE Select); coding-DNA position 686, C replaced by T.
Protein change: p.Pro229Leu; replaces proline 229 with leucine.
Molecular consequence: missense variant. On other transcripts: intron variant (1).
Genome position (GRCh38, 1-based): chr20:32,430,021, C>T. VCF-style: chr20-32430021-C-T. GRCh37 (hg19) VCF-style: chr20-31017824-C-T.
Other names: c.535+590C>T (NM_001363734.1); c.686C>T (NM_015338.5); short protein forms P229L.
Identifiers: ClinVar variation 287611 (VCV000287611.13), dbSNP rs576523117, ClinGen allele CA9808166.
Genomic context (GRCh38, chr20:32,430,021, plus strand): 5'-CTCTGGCCCTGGGCAGCGCTGCTATTCGTGGCCAGGCCGAGGTCACCCAGGACCCTGCCC[C>T]GCTCCTGAGAGGCTTCCGGAAGCCAGCCACAGGTGAGTGGCGTGGCACTTATTTCTCTGC-3'
Protein context (NP_056153.2, residues 219-239): GQAEVTQDPA[Pro229Leu]LLRGFRKPAT